The following is an entry in ClinVar:

ClinVar aggregate classification (germline): Uncertain significance (1 of 4 stars; one submission).

Conditions:
Charcot-Marie-Tooth disease axonal type 2Z. Also called: CHARCOT-MARIE-TOOTH DISEASE, AXONAL, AUTOSOMAL DOMINANT, TYPE 2Z; CHARCOT-MARIE-TOOTH NEUROPATHY, TYPE 2Z. Identifiers: Orphanet 466768, MedGen C5569025, MONDO:0014736, OMIM 616688.

Allele frequency attached by ClinVar (database versions not stated): TOPMed below 0.00001; gnomAD exomes 0.00001; ExAC 0.00002.
gnomAD v4.1: 11 of 1,613,972 alleles (0.00068%); highest among the groups gnomAD compares: East Asian, 0.0022%; no homozygotes.

Submission:

Labcorp Genetics (formerly Invitae), Labcorp
Classification: Uncertain significance for Charcot-Marie-Tooth disease axonal type 2Z. Last evaluated: 2025-05-07. Review status: criteria provided, single submitter. Criteria: Invitae Variant Classification Sherloc (09022015). Collection method: clinical testing. Allele origin: germline.
Comment: This sequence change replaces arginine, which is basic and polar, with cysteine, which is neutral and slightly polar, at codon 319 of the MORC2 protein (p.Arg319Cys). This variant is present in population databases (rs752625837, gnomAD 0.003%). This missense change has been observed in individual(s) with Charcot-Marie-Tooth disease (PMID: 34189813). ClinVar contains an entry for this variant (Variation ID: 2037704). Invitae Evidence Modeling of protein sequence and biophysical properties (such as structural, functional, and spatial information, amino acid conservation, physicochemical variation, residue mobility, and thermodynamic stability) has been performed for this missense variant. However, the output from this modeling did not meet the statistical confidence thresholds required to predict the impact of this variant on MORC2 protein function. In summary, the available evidence is currently insufficient to determine the role of this variant in disease. Therefore, it has been classified as a Variant of Uncertain Significance.

Literature cited by the submitters: PubMed 34189813.

NM_001303256.3(MORC2):c.955C>T (p.Arg319Cys)

Gene: MORC2 (MORC family CW-type zinc finger 2; minus strand). Cytogenetic location: 22q12.2.
Variant type: single nucleotide variant.
Coding change: c.955C>T on transcript NM_001303256.3 (MANE Select); coding-DNA position 955, C replaced by T.
Protein change: p.Arg319Cys; replaces arginine 319 with cysteine.
Molecular consequence: missense variant.
Genome position (GRCh38, 1-based): chr22:30,939,991, G>A on the plus strand (C>T on the coding strand, the complement: MORC2 is on the minus strand). VCF-style: chr22-30939991-G-A. GRCh37 (hg19) VCF-style: chr22-31335978-G-A.
Other names: c.955C>T, p.Arg319Cys (NM_001303257.2); c.769C>T, p.Arg257Cys (NM_014941.3); short protein forms R257C, R319C.
Identifiers: ClinVar variation 2037704 (VCV002037704.4), dbSNP rs752625837, ClinGen allele CA10187093.